The following is an entry in ClinVar:

NM_001267550.2(TTN):c.90968G>C (p.Arg30323Thr)

Genes: TTN-AS1 (TTN antisense RNA 1; plus strand), TTN (titin; minus strand). Cytogenetic location: 2q31.2.
Variant type: single nucleotide variant.
Coding change: c.90968G>C on transcript NM_001267550.2 (MANE Select); coding-DNA position 90968, G replaced by C.
Protein change: p.Arg30323Thr; replaces arginine 30323 with threonine.
Molecular consequence: missense variant.
Genome position (GRCh38, 1-based): chr2:178,551,932, C>G on the plus strand (G>C on the coding strand, the complement: TTN is on the minus strand). VCF-style: chr2-178551932-C-G. GRCh37 (hg19) VCF-style: chr2-179416659-C-G.
Other names: p.R28682T:AGG>ACG; c.86045G>C, p.Arg28682Thr (NM_001256850.1); c.63773G>C, p.Arg21258Thr (NM_003319.4); c.83264G>C, p.Arg27755Thr (NM_133378.4); c.64148G>C, p.Arg21383Thr (NM_133432.3); c.64349G>C, p.Arg21450Thr (NM_133437.4); short protein forms R28682T, R30323T, R21383T, R21258T, R27755T, R21450T.
Identifiers: ClinVar variation 202972 (VCV000202972.8), dbSNP rs11887722, ClinGen allele CA310852.

ClinVar aggregate classification (germline): Conflicting classifications of pathogenicity. Review status: criteria provided, conflicting classifications (1 of 4 stars). 5 submissions from 5 submitters: Uncertain significance (2); Likely benign (3). Last evaluated 2025-04-09.

Conditions:
Dilated cardiomyopathy 1G (CMD1G). Identifiers: Orphanet 154, MedGen C1858763, MONDO:0011400, OMIM 604145.
Autosomal recessive limb-girdle muscular dystrophy type 2J (LGMDR10). Also called: MUSCULAR DYSTROPHY, LIMB-GIRDLE, AUTOSOMAL RECESSIVE 10; Limb-girdle muscular dystrophy, type 2J. Identifiers: Orphanet 140922, MedGen C1837342, MONDO:0012127, OMIM 608807.

Allele frequency attached by ClinVar (database versions not stated): TOPMed 0.00001.
gnomAD v4.1: 33 of 1,613,428 alleles (0.002%); highest among the groups gnomAD compares: Admixed American, 0.053%; no homozygotes.

Submissions (5):

Molecular Diagnostic Laboratory for Inherited Cardiovascular Disease, Montreal Heart Institute
Classification: Likely benign. Last evaluated: 2025-04-09. Review status: criteria provided, single submitter. Criteria: ACMG Guidelines, 2015. Collection method: clinical testing. Allele origin: germline. Affected: no.

Revvity Omics, Revvity
Classification: Uncertain significance. Last evaluated: 2023-10-31. Review status: criteria provided, single submitter. Criteria: ACMG Guidelines, 2015. Collection method: clinical testing. Allele origin: germline.

Women's Health and Genetics/Laboratory Corporation of America, LabCorp
Classification: Likely benign. Last evaluated: 2021-05-10. Review status: criteria provided, single submitter. Criteria: LabCorp Variant Classification Summary - May 2015. Collection method: clinical testing. Allele origin: germline.
Comment: Variant summary: TTN c.83264G>C (p.Arg27755Thr) results in a non-conservative amino acid change located in the A-band of the encoded protein sequence. Three of five in-silico tools predict a benign effect of the variant on protein function. The variant allele was found at a frequency of 0.00011 in 248734 control chromosomes, predominantly at a frequency of 0.00081 within the Latino subpopulation in the gnomAD database. The observed variant frequency within Latino control individuals in the gnomAD database is approximately 2 fold of the estimated maximal expected allele frequency for a pathogenic variant in TTN causing Dilated Cardiomyopathy phenotype (0.00039), strongly suggesting that the variant is a benign polymorphism found primarily in populations of Latino origin. To our knowledge, no occurrence of c.83264G>C in individuals affected with Dilated Cardiomyopathy and no experimental evidence demonstrating its impact on protein function have been reported. Two clinical diagnostic laboratories have submitted clinical-significance assessments for this variant to ClinVar after 2014 without evidence for independent evaluation. Both laboratories classified the variant as uncertain significance. Based on the evidence outlined above, the variant was classified as likely benign.

GeneDx
Classification: Likely benign. Last evaluated: 2018-04-27. Review status: criteria provided, single submitter. Criteria: GeneDx Variant Classification Process June 2021. Collection method: clinical testing. Allele origin: germline. Affected: yes.

Labcorp Genetics (formerly Invitae), Labcorp
Classification: Uncertain significance for Dilated cardiomyopathy 1G; Autosomal recessive limb-girdle muscular dystrophy type 2J. Last evaluated: 2017-02-13. Review status: criteria provided, single submitter. Criteria: Invitae Variant Classification Sherloc (09022015). Collection method: clinical testing. Allele origin: germline.